The following is an entry in ClinVar:

ClinVar aggregate classification (germline): Pathogenic. Review status: criteria provided, multiple submitters, no conflicts (2 of 4 stars). 3 submissions from 3 submitters: Pathogenic (3). Last evaluated 2024-03-07.

Conditions:
SMC1A-related disorder. Also called: SMC1A-related condition.
Congenital muscular hypertrophy-cerebral syndrome (CDLS2). Also called: Cornelia de Lange syndrome 2; SMC1A-Related Cornelia de Lange Syndrome. Identifiers: Orphanet 199, MedGen C1802395, MONDO:0010370, OMIM 300590.

Submissions (3):

Labcorp Genetics (formerly Invitae), Labcorp
Classification: Pathogenic for Congenital muscular hypertrophy-cerebral syndrome. Last evaluated: 2024-03-07. Review status: criteria provided, single submitter. Criteria: Invitae Variant Classification Sherloc (09022015). Collection method: clinical testing. Allele origin: germline.
Comment: This sequence change creates a premature translational stop signal (p.Arg171*) in the SMC1A gene. It is expected to result in an absent or disrupted protein product. Loss-of-function variants in SMC1A are known to be pathogenic (PMID: 26386245, 27334371, 28166369, 28548707, 31334757). This variant is not present in population databases (gnomAD no frequency). This premature translational stop signal has been observed in individual(s) with SMC1A-related conditions (PMID: 28166369). In at least one individual the variant was observed to be de novo. ClinVar contains an entry for this variant (Variation ID: 1806292). For these reasons, this variant has been classified as Pathogenic.

Blueprint Genetics
Classification: Pathogenic for SMC1A-related disorders. Last evaluated: 2022-07-14. Review status: criteria provided, single submitter. Criteria: ACMG Guidelines, 2015. Collection method: clinical testing. Allele origin: germline. Affected: yes. Observed: 1 variant allele.

Victorian Clinical Genetics Services, Murdoch Childrens Research Institute
Classification: Pathogenic for Congenital muscular hypertrophy-cerebral syndrome. Last evaluated: 2020-07-02. Review status: criteria provided, single submitter. Criteria: ACMG Guidelines, 2015. Collection method: clinical testing. Allele origin: germline. Inheritance: X-linked dominant inheritance.
Comment: Based on the classification scheme VCGS_Germline_v1.1.1, this variant is classified as Pathogenic. Following criteria are met: 0102 - Loss-of-function is a mechanism of disease for this gene (PMID: 26752331). (N) 0104 - Dominant negative is a mechanism of disease for this gene. (N) 0110 - This gene is known to be associated with X-linked dominant disease. (N) 0201 - Variant is predicted to cause nonsense-mediated decay (NMD) and loss of protein (exon 4 of 25). (P) 0251 - Variant is heterozygous. (N) 0301 - Variant is absent from gnomAD. (P) 0701 - Comparable variants have very strong previous evidence for pathogenicity. Other variants predicted to cause NMD have been reported as pathogenic in ClinVar. (P) 0802 - Moderate previous evidence of pathogenicity in unrelated individuals. The variant has been previously reported as pathogenic de novo in a patient with epilepsy and developmental delay (PMID: 28166369). (P) 0905 - No segregation evidence has been identified for this variant. (N) 1007 - No published functional evidence has been identified for this variant. (P) Legend: (P) - Pathogenic, (N) - Neutral, (B) - Benign

Literature cited by the submitters: PubMed 26386245 (cited by Labcorp Genetics (formerly Invitae), Labcorp); PubMed 27334371 (cited by Labcorp Genetics (formerly Invitae), Labcorp); PubMed 28166369 (cited by Labcorp Genetics (formerly Invitae), Labcorp and Victorian Clinical Genetics Services, Murdoch Childrens Research Institute); PubMed 28548707 (cited by Labcorp Genetics (formerly Invitae), Labcorp); PubMed 31334757 (cited by Labcorp Genetics (formerly Invitae), Labcorp); PubMed 26752331 (cited by Victorian Clinical Genetics Services, Murdoch Childrens Research Institute).

NM_006306.4(SMC1A):c.511C>T (p.Arg171Ter)

Gene: SMC1A (structural maintenance of chromosomes 1A; minus strand). Cytogenetic location: Xp11.22.
Variant type: single nucleotide variant.
Coding change: c.511C>T on transcript NM_006306.4 (MANE Select); coding-DNA position 511, C replaced by T.
Protein change: p.Arg171Ter; replaces arginine 171 with a stop codon.
Molecular consequence: nonsense.
Genome position (GRCh38, 1-based): chrX:53,413,336, G>A on the plus strand (C>T on the coding strand, the complement: SMC1A is on the minus strand). VCF-style: chrX-53413336-G-A. GRCh37 (hg19) VCF-style: chrX-53440286-G-A.
Other names: c.445C>T, p.Arg149Ter (NM_001281463.1); short protein forms R149*, R171*.
Identifiers: ClinVar variation 1806292 (VCV001806292.4), dbSNP rs2520963220, ClinGen allele CA413259367.